The following is an entry in ClinVar:

ClinVar aggregate classification (germline): Uncertain significance (1 of 4 stars; one submission).

Allele frequency attached by ClinVar (database versions not stated): gnomAD 0.00001.
gnomAD v4.1: 1 of 1,612,792 alleles (0.000062%); highest among the groups gnomAD compares: African/African-American, 0.0013%; no homozygotes.

Submission:

GeneDx
Classification: Uncertain significance. Last evaluated: 2022-02-02. Review status: criteria provided, single submitter. Criteria: GeneDx Variant Classification Process June 2021. Collection method: clinical testing. Allele origin: germline. Affected: yes.
Comment: Not observed at significant frequency in large population cohorts (gnomAD); In silico analysis supports that this variant does not alter splicing; Has not been previously published as pathogenic or benign to our knowledge

NM_130837.3(OPA1):c.590C>G (p.Ser197Cys)

Gene: OPA1 (OPA1 mitochondrial dynamin like GTPase; plus strand). Cytogenetic location: 3q29.
Variant type: single nucleotide variant.
Coding change: c.590C>G on transcript NM_130837.3 (MANE Select); coding-DNA position 590, C replaced by G.
Protein change: p.Ser197Cys; replaces serine 197 with cysteine.
Molecular consequence: missense variant. On other transcripts: intron variant (6).
Genome position (GRCh38, 1-based): chr3:193,617,817, C>G. VCF-style: chr3-193617817-C-G. GRCh37 (hg19) VCF-style: chr3-193335606-C-G.
Other names: c.482C>G, p.Ser161Cys (NM_130832.3, NM_130835.3); c.590C>G, p.Ser197Cys (NM_130834.3); c.184+532C>G (NM_001354664.2); c.77-1052C>G (NM_001354663.2); c.556+532C>G (NM_130836.3, NM_015560.3); c.449-1052C>G (NM_130833.3, NM_130831.3); short protein forms S161C, S197C.
Identifiers: ClinVar variation 1700310 (VCV001700310.2), dbSNP rs1729303601, ClinGen allele CA355787859.
Genomic context (GRCh38, chr3:193,617,817, plus strand): 5'-ATTTCCCCTTTTGCTGATTTTTCACAGGTCACAAATTGGTTAGTGAAGTCATAGGAGCTT[C>G]TGACCTACTTCTCTTGTTAGGTGTGTAAACAGACATTTTTGCTGACCTTAACATGCCTTT-3'
Protein context (NP_570850.2, residues 187-207): HKLVSEVIGA[Ser197Cys]DLLLLLGSPE